The following is an entry in ClinVar:

NM_058216.3(RAD51C):c.448G>A (p.Gly150Arg)

Gene: RAD51C (RAD51 paralog C; plus strand). Cytogenetic location: 17q22.
Variant type: single nucleotide variant.
Coding change: c.448G>A on transcript NM_058216.3 (MANE Select); coding-DNA position 448, G replaced by A.
Protein change: p.Gly150Arg; replaces glycine 150 with arginine.
Molecular consequence: missense variant.
Genome position (GRCh38, 1-based): chr17:58,696,736, G>A. VCF-style: chr17-58696736-G-A. GRCh37 (hg19) VCF-style: chr17-56774097-G-A.
Other names: short protein forms G150R.
Identifiers: ClinVar variation 492369 (VCV000492369.19), dbSNP rs553112850, ClinGen allele CA292050288.

ClinVar aggregate classification (germline): Conflicting classifications of pathogenicity. Review status: criteria provided, conflicting classifications (1 of 4 stars). 5 submissions from 5 submitters: Likely pathogenic (2); Uncertain significance (3). Last evaluated 2025-09-05.

Conditions:
Breast-ovarian cancer, familial, susceptibility to, 3. Also called: RAD51C-Related Breast/Ovarian Cancer. Identifiers: Orphanet 145, MedGen C3150659, MONDO:0013253, OMIM 613399.
Hereditary cancer-predisposing syndrome. Also called: Tumor predisposition; Neoplastic Syndromes, Hereditary; Hereditary Cancer Syndrome; Hereditary neoplastic syndrome. Identifiers: Orphanet 140162, MedGen C0027672, MeSH D009386, MONDO:0015356.
Fanconi anemia complementation group O. Also called: RAD51C-Related Fanconi Anemia. Identifiers: Orphanet 84, MedGen C3150653, MONDO:0013248, OMIM 613390.

Allele frequency attached by ClinVar (database versions not stated): gnomAD exomes below 0.00001.
gnomAD v4.1: 1 of 1,614,212 alleles (0.000062%); highest among the groups gnomAD compares: Non-Finnish European, 0.000085%; no homozygotes.

Submissions (5):

Ambry Genetics
Classification: Likely pathogenic for Hereditary cancer-predisposing syndrome. Last evaluated: 2025-09-05. Review status: criteria provided, single submitter. Criteria: Ambry Variant Classification Scheme 2023. Collection method: clinical testing. Allele origin: germline.
Comment: The p.G150R variant (also known as c.448G>A), located in coding exon 3 of the RAD51C gene, results from a G to A substitution at nucleotide position 448. The glycine at codon 150 is replaced by arginine, an amino acid with dissimilar properties. This amino acid position is highly conserved in available vertebrate species. In a homology-directed DNA repair (HDR) assay, this alteration showed a functionally abnormal read-out (Olvera-Le&oacute;n R et al Cell 2024 Oct;187(20):5719-5734.e19). This variant is considered to be rare based on population cohorts in the Genome Aggregation Database (gnomAD). In addition, this alteration is predicted to be deleterious by in silico analysis. Based on the majority of available evidence to date, this variant is likely to be pathogenic.

Color Diagnostics, LLC DBA Color Health
Classification: Uncertain significance for Hereditary cancer-predisposing syndrome. Last evaluated: 2025-05-16. Review status: criteria provided, single submitter. Criteria: ACMG Guidelines, 2015. Collection method: clinical testing. Allele origin: germline.
Comment: This missense variant replaces glycine with arginine at codon 150 of the RAD51C protein. Computational prediction suggests that this variant may have deleterious impact on protein structure and function. A functional study using saturation genome editing technology has shown that this variant results in the loss of homology-directed repair activity of RAD51C protein (PMID: 39299233). This variant has not been reported in individuals affected with RAD51C-related disorders in the literature. This variant has not been identified in the general population by the Genome Aggregation Database (gnomAD). The available evidence is insufficient to determine the role of this variant in disease conclusively. Therefore, this variant is classified as a Variant of Uncertain Significance.

Labcorp Genetics (formerly Invitae), Labcorp
Classification: Uncertain significance for Fanconi anemia complementation group O. Last evaluated: 2025-02-27. Review status: criteria provided, single submitter. Criteria: Invitae Variant Classification Sherloc (09022015). Collection method: clinical testing. Allele origin: germline.
Comment: This sequence change replaces glycine, which is neutral and non-polar, with arginine, which is basic and polar, at codon 150 of the RAD51C protein (p.Gly150Arg). This variant is not present in population databases (gnomAD no frequency). This variant has not been reported in the literature in individuals affected with RAD51C-related conditions. ClinVar contains an entry for this variant (Variation ID: 492369). Invitae Evidence Modeling of protein sequence and biophysical properties (such as structural, functional, and spatial information, amino acid conservation, physicochemical variation, residue mobility, and thermodynamic stability) indicates that this missense variant is expected to disrupt RAD51C protein function with a positive predictive value of 80%. In summary, the available evidence is currently insufficient to determine the role of this variant in disease. Therefore, it has been classified as a Variant of Uncertain Significance.

Myriad Genetics, Inc.
Classification: Likely pathogenic for Breast-ovarian cancer, familial, susceptibility to, 3. Last evaluated: 2024-11-25. Review status: criteria provided, single submitter. Criteria: Myriad Autosomal Dominant, Autosomal Recessive and X-Linked Classification Criteria (2023). Collection method: clinical testing. Allele origin: unknown.
Comment: This variant is considered likely pathogenic. Functional studies indicate this variant impacts protein function [PMID: 39299233]. This variant is expected to disrupt protein structure [Myriad internal data].

Baylor Genetics
Classification: Uncertain significance for Breast-ovarian cancer, familial, susceptibility to, 3. Last evaluated: 2024-02-07. Review status: criteria provided, single submitter. Criteria: ACMG Guidelines, 2015. Collection method: clinical testing. Allele origin: unknown.

Literature cited by the submitters: PubMed 39299233 (cited by Color Diagnostics, LLC DBA Color Health and Myriad Genetics, Inc.).